The following is an entry in ClinVar:

ClinVar aggregate classification (germline): Uncertain significance (1 of 4 stars; one submission).

Submission:

Labcorp Genetics (formerly Invitae), Labcorp
Classification: Uncertain significance. Last evaluated: 2024-02-24. Review status: criteria provided, single submitter. Criteria: Invitae Variant Classification Sherloc (09022015). Collection method: clinical testing. Allele origin: germline.
Comment: This sequence change replaces isoleucine, which is neutral and non-polar, with methionine, which is neutral and non-polar, at codon 192 of the NDUFAF6 protein (p.Ile192Met). This variant is not present in population databases (gnomAD no frequency). This variant has not been reported in the literature in individuals affected with NDUFAF6-related conditions. ClinVar contains an entry for this variant (Variation ID: 2015601). Advanced modeling of protein sequence and biophysical properties (such as structural, functional, and spatial information, amino acid conservation, physicochemical variation, residue mobility, and thermodynamic stability) performed at Invitae indicates that this missense variant is not expected to disrupt NDUFAF6 protein function with a negative predictive value of 80%. In summary, the available evidence is currently insufficient to determine the role of this variant in disease. Therefore, it has been classified as a Variant of Uncertain Significance.

NM_152416.4(NDUFAF6):c.576A>G (p.Ile192Met)

Gene: NDUFAF6 (NADH:ubiquinone oxidoreductase complex assembly factor 6; plus strand). Cytogenetic location: 8q22.1.
Variant type: single nucleotide variant.
Coding change: c.576A>G on transcript NM_152416.4 (MANE Select); coding-DNA position 576, A replaced by G.
Protein change: p.Ile192Met; replaces isoleucine 192 with methionine.
Molecular consequence: missense variant. On other transcripts: non-coding transcript variant (6).
Genome position (GRCh38, 1-based): chr8:95,045,643, A>G. VCF-style: chr8-95045643-A-G. GRCh37 (hg19) VCF-style: chr8-96057871-A-G.
Other names: c.300A>G, p.Ile100Met (NM_001330582.2, NM_001354514.2, NM_001354515.2 and 1 more transcripts); c.420A>G, p.Ile140Met (NM_001354516.2); c.243A>G, p.Ile81Met (NM_001354517.2, NM_001354518.2, NM_001354519.2 and 1 more transcripts); c.120A>G, p.Ile40Met (NM_001354522.2, NM_001354524.2, NM_001354525.2 and 7 more transcripts); short protein forms I192M, I40M, I100M, I81M, I140M.
Identifiers: ClinVar variation 2015601 (VCV002015601.4), dbSNP rs2536870648, ClinGen allele CA371745925.